The following is an entry in ClinVar:

ClinVar aggregate classification (germline): Uncertain significance (1 of 4 stars; one submission).

Conditions:
Inborn genetic diseases. Identifiers: MedGen C0950123, MeSH D030342.

Submission:

Ambry Genetics
Classification: Uncertain significance for Inborn genetic diseases. Last evaluated: 2019-11-23. Review status: criteria provided, single submitter. Criteria: Ambry Variant Classification Scheme 2023. Collection method: clinical testing. Allele origin: germline.
Comment: The p.E1495K variant (also known as c.4483G>A), located in coding exon 26 of the KDM5C gene, results from a G to A substitution at nucleotide position 4483. The glutamic acid at codon 1495 is replaced by lysine, an amino acid with similar properties. This amino acid position is well conserved in available vertebrate species; however, lysine is the reference amino acid in other vertebrate species. In addition, this alteration is predicted to be tolerated by in silico analysis. Since supporting evidence is limited at this time, the clinical significance of this alteration remains unclear.

NM_004187.5(KDM5C):c.4483G>A (p.Glu1495Lys)

Gene: KDM5C (lysine demethylase 5C; minus strand). Cytogenetic location: Xp11.22.
Variant type: single nucleotide variant.
Coding change: c.4483G>A on transcript NM_004187.5 (MANE Select); coding-DNA position 4483, G replaced by A.
Protein change: p.Glu1495Lys; replaces glutamic acid 1495 with lysine.
Molecular consequence: missense variant. On other transcripts: intron variant (5).
Genome position (GRCh38, 1-based): chrX:53,193,167, C>T on the plus strand (G>A on the coding strand, the complement: KDM5C is on the minus strand). VCF-style: chrX-53193167-C-T. GRCh37 (hg19) VCF-style: chrX-53222349-C-T.
Other names: c.4480G>A, p.Glu1494Lys (NM_001282622.3); c.4474G>A, p.Glu1492Lys (NM_001353978.3); c.4305+270G>A (NM_001353982.2); c.4314+270G>A (NM_001353979.2); c.4308+270G>A (NM_001353981.2, NM_001353984.2); c.4047-330G>A (NM_001146702.2); short protein forms E1494K, E1495K, E1492K.
Identifiers: ClinVar variation 1740921 (VCV001740921.2), dbSNP rs2519362681, ClinGen allele CA413104393.
Genomic context (GRCh38, chrX:53,193,167, plus strand): 5'-CAGTGGTGGGGATGGGTGCAGGGGGGCCCTCACCCCCAGTCTCCTCCTCCAGCTCTTCCT[C>T]CTCCTGGACCTCCTCAGCCTCTGGCCCTGAGCTCCGTACCCTCTTTGGCTCTAGCTCCTC-3'
Protein context (NP_004178.2, residues 1485-1505): SGPEAEEVQE[Glu1495Lys]EELEEETGGE